The following is an entry in ClinVar:

NM_001164665.2(KIAA1549):c.3890A>G (p.Asn1297Ser)

Gene: KIAA1549 (KIAA1549; minus strand). Cytogenetic location: 7q34.
Variant type: single nucleotide variant.
Coding change: c.3890A>G on transcript NM_001164665.2 (MANE Select); coding-DNA position 3890, A replaced by G.
Protein change: p.Asn1297Ser; replaces asparagine 1297 with serine.
Molecular consequence: missense variant.
Genome position (GRCh38, 1-based): chr7:138,894,484, T>C on the plus strand (A>G on the coding strand, the complement: KIAA1549 is on the minus strand). VCF-style: chr7-138894484-T-C. GRCh37 (hg19) VCF-style: chr7-138579230-T-C.
Other names: c.3890A>G, p.Asn1297Ser (NM_020910.3); short protein forms N1297S.
Identifiers: ClinVar variation 1413152 (VCV001413152.9), dbSNP rs904843871, ClinGen allele CA167149649.

ClinVar aggregate classification (germline): Uncertain significance. Review status: criteria provided, multiple submitters, no conflicts (2 of 4 stars). 2 submissions from 2 submitters: Uncertain significance (2). Last evaluated 2024-05-16.

Allele frequency attached by ClinVar (database versions not stated): gnomAD 0.00001; gnomAD exomes 0.00001; TOPMed 0.00002.
gnomAD v4.1: 21 of 1,613,900 alleles (0.0013%); highest among the groups gnomAD compares: Non-Finnish European, 0.0016%; no homozygotes.

Submissions (2):

Blueprint Genetics
Classification: Uncertain significance. Last evaluated: 2024-05-16. Review status: criteria provided, single submitter. Criteria: ACMG Guidelines, 2015. Collection method: clinical testing. Allele origin: germline.

Labcorp Genetics (formerly Invitae), Labcorp
Classification: Uncertain significance. Last evaluated: 2022-09-13. Review status: criteria provided, single submitter. Criteria: Invitae Variant Classification Sherloc (09022015). Collection method: clinical testing. Allele origin: germline.
Comment: In summary, the available evidence is currently insufficient to determine the role of this variant in disease. Therefore, it has been classified as a Variant of Uncertain Significance. Algorithms developed to predict the effect of missense changes on protein structure and function output the following: SIFT: "Tolerated"; PolyPhen-2: "Benign"; Align-GVGD: "Class C0". The serine amino acid residue is found in multiple mammalian species, which suggests that this missense change does not adversely affect protein function. ClinVar contains an entry for this variant (Variation ID: 1413152). This variant has not been reported in the literature in individuals affected with KIAA1549-related conditions. This variant is present in population databases (no rsID available, gnomAD 0.0009%). This sequence change replaces asparagine, which is neutral and polar, with serine, which is neutral and polar, at codon 1297 of the KIAA1549 protein (p.Asn1297Ser).